The following is an entry in ClinVar:

NM_024426.6(WT1):c.327G>A (p.Pro109=)

Genes: WT1 (WT1 transcription factor; minus strand), LOC107982234 (WT1/WT1-AS bi-directional promoter region; plus strand). Cytogenetic location: 11p13.
Variant type: single nucleotide variant.
Coding change: c.327G>A on transcript NM_024426.6 (MANE Select); coding-DNA position 327, G replaced by A.
Protein change: p.Pro109=; no amino-acid change (proline 109 retained).
Molecular consequence: synonymous variant. On other transcripts: non-coding transcript variant (2).
Genome position (GRCh38, 1-based): chr11:32,435,034, C>T on the plus strand (G>A on the coding strand, the complement: WT1 is on the minus strand). VCF-style: chr11-32435034-C-T. GRCh37 (hg19) VCF-style: chr11-32456580-C-T.
Other names: c.327G>A, p.Pro109= (NM_000378.6, NM_001407044.1, NM_001407045.1 and 6 more transcripts); c.108G>A, p.Pro36= (NM_001429031.1, NM_001429032.1, NM_001429033.1 and 1 more transcripts); c.312G>A, p.Pro104= (NM_024425.2).
Identifiers: ClinVar variation 3069980 (VCV003069980.1), dbSNP rs777059515, ClinGen allele CA473773842.

ClinVar aggregate classification (germline): Likely benign (1 of 4 stars; one submission).

Conditions:
Wilms tumor 1 (WT1). Also called: Wilms tumor, somatic. Identifiers: Orphanet 654, MedGen CN033288, MONDO:0008679, OMIM 194070.

Submission:

All of Us Research Program, National Institutes of Health
Classification: Likely benign for Wilms tumor 1. Last evaluated: 2023-03-23. Review status: criteria provided, single submitter. Criteria: ACMG Guidelines, 2015. Collection method: clinical testing. Allele origin: germline. Inheritance: Autosomal dominant inheritance. Observed: 1 variant allele, 1 heterozygote.
Comment: This study involves interpretation of variants in research participants for the purpose of population health screening. Participant phenotype was not available at the time of variant classification. Additional details can be found in publication PMID: 35346344, PMCID: PMC8962531